The following is an entry in ClinVar:

NM_198241.3(EIF4G1):c.650C>T (p.Pro217Leu)

Gene: EIF4G1 (eukaryotic translation initiation factor 4 gamma 1; plus strand). Cytogenetic location: 3q27.1.
Variant type: single nucleotide variant.
Coding change: c.650C>T on transcript NM_198241.3 (MANE Select); coding-DNA position 650, C replaced by T.
Protein change: p.Pro217Leu; replaces proline 217 with leucine.
Molecular consequence: missense variant.
Genome position (GRCh38, 1-based): chr3:184,320,946, C>T. VCF-style: chr3-184320946-C-T. GRCh37 (hg19) VCF-style: chr3-184038734-C-T.
Other names: c.671C>T, p.Pro224Leu (NM_001194946.2, NM_001194947.2); c.530C>T, p.Pro177Leu (NM_001291157.2); c.62C>T, p.Pro21Leu (NM_004953.5); c.650C>T, p.Pro217Leu (NM_182917.4); c.158C>T, p.Pro53Leu (NM_198242.3); c.389C>T, p.Pro130Leu (NM_198244.3); short protein forms P177L, P53L, P21L, P130L, P217L, P224L.
Identifiers: ClinVar variation 4990298 (VCV004990298.1).

ClinVar aggregate classification (germline): Uncertain significance (1 of 4 stars; one submission).

Conditions:
EIF4G1-related disorder. Also called: EIF4G1-related condition.

gnomAD v4.1: 114 of 1,614,054 alleles (0.0071%); highest among the groups gnomAD compares: Non-Finnish European, 0.0093%; 1 homozygote.

Submission:

PreventionGenetics, part of Exact Sciences
Classification: Uncertain significance for EIF4G1-related condition. Last evaluated: 2026-02-20. Review status: criteria provided, single submitter. Criteria: ACMG Guidelines, 2015. Collection method: clinical testing. Allele origin: germline.
Comment: The EIF4G1 c.650C>T variant is predicted to result in the amino acid substitution p.Pro217Leu. To our knowledge, this variant has not been reported in the literature. This variant is reported in 0.0044% of alleles in individuals of European (Non-Finnish) descent in gnomAD. At this time, the clinical significance of this variant is uncertain due to the absence of conclusive functional and genetic evidence.